The following is an entry in ClinVar:

ClinVar aggregate classification (germline): Uncertain significance (1 of 4 stars; one submission).

Conditions:
Carnitine palmitoyltransferase II deficiency. Also called: Carnitine Palmitoyltransferase 2 Deficiency. Identifiers: Orphanet 157, MedGen C0342790, MONDO:0015515.

gnomAD v4.1: 1 of 1,614,130 alleles (0.000062%); highest among the groups gnomAD compares: Non-Finnish European, 0.000085%; no homozygotes.

Submission:

Labcorp Genetics (formerly Invitae), Labcorp
Classification: Uncertain significance for Carnitine palmitoyltransferase II deficiency. Last evaluated: 2022-02-22. Review status: criteria provided, single submitter. Criteria: Invitae Variant Classification Sherloc (09022015). Collection method: clinical testing. Allele origin: germline.
Comment: In summary, the available evidence is currently insufficient to determine the role of this variant in disease. Therefore, it has been classified as a Variant of Uncertain Significance. Algorithms developed to predict the effect of missense changes on protein structure and function are either unavailable or do not agree on the potential impact of this missense change (SIFT: "Deleterious"; PolyPhen-2: "Probably Damaging"; Align-GVGD: "Class C15"). This variant has not been reported in the literature in individuals affected with CPT2-related conditions. This variant is not present in population databases (gnomAD no frequency). This sequence change replaces aspartic acid, which is acidic and polar, with valine, which is neutral and non-polar, at codon 255 of the CPT2 protein (p.Asp255Val).

NM_000098.3(CPT2):c.764A>T (p.Asp255Val)

Gene: CPT2 (carnitine palmitoyltransferase 2; plus strand). Cytogenetic location: 1p32.3.
Variant type: single nucleotide variant.
Coding change: c.764A>T on transcript NM_000098.3 (MANE Select); coding-DNA position 764, A replaced by T.
Protein change: p.Asp255Val; replaces aspartic acid 255 with valine.
Molecular consequence: missense variant.
Genome position (GRCh38, 1-based): chr1:53,210,438, A>T. VCF-style: chr1-53210438-A-T. GRCh37 (hg19) VCF-style: chr1-53676110-A-T.
Other names: c.764A>T, p.Asp255Val (NM_001330589.2); short protein forms D255V.
Identifiers: ClinVar variation 2097123 (VCV002097123.2), dbSNP rs199673903, ClinGen allele CA340393626.
Genomic context (GRCh38, chr1:53,210,438, plus strand): 5'-TCACTGATGACAAGGCCAGACACCTCCTGGTCCTAAGGAAAGGAAATTTTTATATCTTTG[A>T]TGTCCTGGATCAAGATGGGAACATTGTGAGCCCCTCGGAAATCCAGGCACATCTGAAGTA-3'
Protein context (NP_000089.1, residues 245-265): VLRKGNFYIF[Asp255Val]VLDQDGNIVS